The following is an entry in ClinVar:

NM_002693.3(POLG):c.590T>C (p.Phe197Ser)

Genes: POLG (DNA polymerase gamma, catalytic subunit; minus strand), POLGARF (POLG alternative reading frame; minus strand). Cytogenetic location: 15q26.1.
Variant type: single nucleotide variant.
Coding change: c.590T>C on transcript NM_002693.3 (MANE Select); coding-DNA position 590, T replaced by C.
Protein change: p.Phe197Ser; replaces phenylalanine 197 with serine.
Molecular consequence: missense variant. On other transcripts: synonymous variant (1).
Genome position (GRCh38, 1-based): chr15:89,333,165, A>G on the plus strand (T>C on the coding strand, the complement: POLG is on the minus strand). VCF-style: chr15-89333165-A-G. GRCh37 (hg19) VCF-style: chr15-89876396-A-G.
Other names: c.645T>C, p.Val215= (NM_001430120.1); c.590T>C, p.Phe197Ser (NM_001126131.2); short protein forms F197S.
Identifiers: ClinVar variation 3769252 (VCV003769252.3).

ClinVar aggregate classification (germline): Uncertain significance. Review status: criteria provided, multiple submitters, no conflicts (2 of 4 stars). 2 submissions from 2 submitters: Uncertain significance (2). Last evaluated 2025-08-08.

Conditions:
POLG-related disorder. Also called: POLG-Related Spectrum Disorders; POLG-related condition; POLG-Related Disorders. Identifiers: MedGen C4763519.

gnomAD v4.1: 15 of 1,552,796 alleles (0.00097%); highest among the groups gnomAD compares: Non-Finnish European, 0.0013%; no homozygotes.

Submissions (2):

Myriad Genetics, Inc.
Classification: Uncertain significance for POLG-related disorder. Last evaluated: 2025-08-08. Review status: criteria provided, single submitter. Criteria: Myriad Autosomal Dominant, Autosomal Recessive and X-Linked Classification Criteria (2023). Collection method: clinical testing. Allele origin: unknown.
Comment: NM_002693.2(POLG):c.590T>C(F197S) is a missense variant classified as a variant of uncertain significance in the context of POLG-related disorders. F197S has been observed in a case with relevant disease (PMID: 32042919). Relevant functional assessments of this variant are not available in the literature. F197S has been observed in referenced population frequency databases. In summary, there is insufficient evidence to classify NM_002693.2(POLG):c.590T>C(F197S) as pathogenic or benign. Please note: this variant was assessed in the context of healthy population screening.

Women's Health and Genetics/Laboratory Corporation of America, LabCorp
Classification: Uncertain significance. Last evaluated: 2025-01-06. Review status: criteria provided, single submitter. Criteria: LabCorp Variant Classification Summary - May 2015. Collection method: clinical testing. Allele origin: germline.
Comment: Variant summary: POLG c.590T>C (p.Phe197Ser) results in a non-conservative amino acid change located in the DNA mitochondrial polymerase exonuclease domain (IPR041336) of the encoded protein sequence. Five of five in-silico tools predict a damaging effect of the variant on protein function. The variant allele was found at a frequency of 9.9e-06 in 201520 control chromosomes. c.590T>C has been reported in the literature in at least one compound heterozygous individual affected with Mitochondrial DNA Depletion Syndrome - POLG Related (Hedberg-Oldfors_2020). These data do not allow any conclusion about variant significance. At least one publication reports experimental evidence evaluating an impact on protein function. The most pronounced variant effect results in reduced polymerase and exonuclease activities (Hedberg-Oldfors_2020). The following publication has been ascertained in the context of this evaluation (PMID: 32042919). No submitters have cited clinical-significance assessments for this variant to ClinVar. Based on the evidence outlined above, the variant was classified as VUS-possibly pathogenic.

Literature cited by the submitters: PubMed 32042919 (cited by Myriad Genetics, Inc. and Women's Health and Genetics/Laboratory Corporation of America, LabCorp).